The following is an entry in ClinVar:

NM_000310.4(PPT1):c.433G>C (p.Gly145Arg)

Gene: PPT1 (palmitoyl-protein thioesterase 1; minus strand). Cytogenetic location: 1p34.2.
Variant type: single nucleotide variant.
Coding change: c.433G>C on transcript NM_000310.4 (MANE Select); coding-DNA position 433, G replaced by C.
Protein change: p.Gly145Arg; replaces glycine 145 with arginine.
Molecular consequence: missense variant. On other transcripts: intron variant (1).
Genome position (GRCh38, 1-based): chr1:40,091,329, C>G on the plus strand (G>C on the coding strand, the complement: PPT1 is on the minus strand). VCF-style: chr1-40091329-C-G. GRCh37 (hg19) VCF-style: chr1-40557001-C-G.
Other names: c.433G>C, p.Gly145Arg (NM_001363695.2); c.125-1817G>C (NM_001142604.2); short protein forms G145R.
Identifiers: ClinVar variation 197131 (VCV000197131.14), dbSNP rs369186379, ClinGen allele CA245091.

ClinVar aggregate classification (germline): Conflicting classifications of pathogenicity. Review status: criteria provided, conflicting classifications (1 of 4 stars). 6 submissions from 6 submitters: Likely pathogenic (1); Uncertain significance (4). 1 of the submissions does not count toward it. Last evaluated 2026-03-20.

Conditions:
Inborn genetic diseases. Identifiers: MedGen C0950123, MeSH D030342.
Neuronal ceroid lipofuscinosis 1 (CLN1). Also called: CEROID LIPOFUSCINOSIS, NEURONAL, 1, VARIABLE AGE AT ONSET; PPT1-Related Neuronal Ceroid-Lipofuscinosis. Identifiers: Orphanet 228329, MedGen C1850451, MONDO:0009744, OMIM 256730.

Allele frequency attached by ClinVar (database versions not stated): gnomAD 0.00001; TOPMed 0.00002; ESP Exome Variant Server 0.00008.
gnomAD v4.1: 2 of 1,613,404 alleles (0.00012%); highest among the groups gnomAD compares: African/African-American, 0.0027%; no homozygotes.

Submissions (6):

GeneDx
Classification: Likely pathogenic. Last evaluated: 2026-03-20. Review status: criteria provided, single submitter. Criteria: GeneDx Variant Classification Process June 2021. Collection method: clinical testing. Allele origin: germline.
Comment: Identified in the single heterozygous state without a second PPT1 variant in an individual who had a different genetic etiology for the phenotype (PMID: 30378543); Alters the last nucleotide of the exon and is predicted to destroy the splice donor site and result in aberrant splicing, although in the absence of functional evidence the actual effect of this sequence change is unknown; Not observed at significant frequency in large population cohorts (gnomAD); This variant is associated with the following publications: (PMID: 30378543)

Labcorp Genetics (formerly Invitae), Labcorp
Classification: Uncertain significance for Neuronal ceroid lipofuscinosis 1. Last evaluated: 2022-01-15. Review status: criteria provided, single submitter. Criteria: Invitae Variant Classification Sherloc (09022015). Collection method: clinical testing. Allele origin: germline.
Comment: This sequence change replaces glycine, which is neutral and non-polar, with arginine, which is basic and polar, at codon 145 of the PPT1 protein (p.Gly145Arg). This variant also falls at the last nucleotide of exon 4, which is part of the consensus splice site for this exon. This variant is not present in population databases (gnomAD no frequency). This variant has not been reported in the literature in individuals affected with PPT1-related conditions. ClinVar contains an entry for this variant (Variation ID: 197131). Algorithms developed to predict the effect of missense changes on protein structure and function are either unavailable or do not agree on the potential impact of this missense change (SIFT: "Deleterious"; PolyPhen-2: "Probably Damaging"; Align-GVGD: "Class C15"). Variants that disrupt the consensus splice site are a relatively common cause of aberrant splicing (PMID: 17576681, 9536098). Algorithms developed to predict the effect of sequence changes on RNA splicing suggest that this variant may disrupt the consensus splice site. In summary, the available evidence is currently insufficient to determine the role of this variant in disease. Therefore, it has been classified as a Variant of Uncertain Significance.

Women's Health and Genetics/Laboratory Corporation of America, LabCorp
Classification: Uncertain significance. Last evaluated: 2021-04-22. Review status: criteria provided, single submitter. Criteria: LabCorp Variant Classification Summary - May 2015. Collection method: clinical testing. Allele origin: germline.
Comment: Variant summary: PPT1 c.433G>C (p.Gly145Arg) results in a non-conservative amino acid change in the encoded protein sequence. Five of five in-silico tools predict a damaging effect of the variant on protein function. The variant is located near a canonical splice site. Several computational tools predict an impact on normal splicing: 4 predict that the variant weakens or abolishes a 5-prime splicing donor site. However, these predictions have yet to be confirmed by functional studies. The variant was absent in 251296 control chromosomes. The available data on variant occurrences in the general population are insufficient to allow any conclusion about variant significance. To our knowledge, no occurrence of c.433G>C in individuals affected with Neuronal Ceroid-Lipofuscinosis (Batten Disease) and no experimental evidence demonstrating an impact on protein function have been reported. One other clinical diagnostic laboratory has submitted clinical-significance assessments for this variant to ClinVar after 2014 without evidence for independent evaluation and cited the variant as uncertain significance. Based on the evidence outlined above, the variant was classified as uncertain significance.

Ambry Genetics
Classification: Uncertain significance for Inborn genetic diseases. Last evaluated: 2016-07-28. Review status: criteria provided, single submitter. Criteria: Ambry Variant Classification Scheme 2023. Collection method: clinical testing. Allele origin: germline.
Comment: The c.433G>C variant (also known as p.G145R), located in coding exon 4 of the PPT1 gene, results from a G to C substitution at nucleotide position 433. The amino acid change results in glycine to arginine at codon 145, an amino acid with dissimilar properties. However, this change occurs in the last base pair of coding exon 4, which makes it likely to have some effect on normal mRNA splicing. Based on data from the NHLBI Exome Sequencing Project (ESP), the C allele has an overall frequency of approximately 0.01% (1/13006) total alleles studied, having been observed in 0.02% (1/4406) African American alleles. Both the nucleotide and amino acid positions are highly conserved in available vertebrate species. Using the BDGP and ESEfinder splice site prediction tools, this alteration is predicted to weaken the efficiency of the native splice donor site; however, direct evidence is unavailable. In addition, this alteration is predicted to be deleterious by in silico analysis. Since supporting evidence is limited at this time, the clinical significance of this alteration remains unclear.

Eurofins Ntd Llc (ga)
Classification: Uncertain significance. Last evaluated: 2014-11-13. Review status: criteria provided, single submitter. Criteria: EGL Classification Definitions 2015. Collection method: clinical testing. Allele origin: germline. Observed: 1 variant allele, 1 heterozygote.

Natera, Inc.
Classification: Uncertain significance for Neuronal ceroid lipofuscinosis 1. Last evaluated: 2021-04-22. Review status: no assertion criteria provided. Collection method: clinical testing. Allele origin: germline. Not counted in ClinVar's aggregate classification.

Literature cited by the submitters: PubMed 17576681 (cited by Labcorp Genetics (formerly Invitae), Labcorp); PubMed 9536098 (cited by Labcorp Genetics (formerly Invitae), Labcorp); PubMed 30378543 (cited by Women's Health and Genetics/Laboratory Corporation of America, LabCorp).